The following is an entry in ClinVar:

NM_000368.5(TSC1):c.9A>G (p.Gln3=)

Gene: TSC1 (TSC complex subunit 1; minus strand). Cytogenetic location: 9q34.13.
Variant type: single nucleotide variant.
Coding change: c.9A>G on transcript NM_000368.5 (MANE Select); coding-DNA position 9, A replaced by G.
Protein change: p.Gln3=; no amino-acid change (glutamine 3 retained).
Molecular consequence: synonymous variant. On other transcripts: 5 prime UTR variant (1).
Genome position (GRCh38, 1-based): chr9:132,928,864, T>C on the plus strand (A>G on the coding strand, the complement: TSC1 is on the minus strand). VCF-style: chr9-132928864-T-C. GRCh37 (hg19) VCF-style: chr9-135804251-T-C.
Other names: c.9A>G, p.Gln3= (NM_001162426.2, NM_001162427.2); c.-251A>G (NM_001362177.2).
Identifiers: ClinVar variation 754895 (VCV000754895.12), dbSNP rs1588363733, ClinGen allele CA467594378.
Genomic context (GRCh38, chr9:132,928,864, plus strand): 5'-GTCCCGCACACCCAGCATGGGGGAGTCCAGCATGGCAAGAAGCTCCCCGACATTTGCTTG[T>C]TGGGCCATTCTCTCGCTCGAAGGCGCTGTGCTGGCTCCAGGACGTGTGCTACAGGTTCTG-3'
Protein context (NP_000359.1, residues 1-13): MA[Gln3=]QANVGELLAM

ClinVar aggregate classification (germline): Likely benign. Review status: criteria provided, multiple submitters, no conflicts (2 of 4 stars). 3 submissions from 3 submitters: Likely benign (3). Last evaluated 2024-10-28.

Conditions:
Hereditary cancer-predisposing syndrome. Also called: Tumor predisposition; Hereditary Cancer Syndrome; Neoplastic Syndromes, Hereditary; Hereditary neoplastic syndrome. Identifiers: Orphanet 140162, MedGen C0027672, MeSH D009386, MONDO:0015356.
Tuberous sclerosis syndrome (TSC). Also called: Tuberous sclerosis; Tuberous Sclerosis Complex. Identifiers: Orphanet 805, MedGen C0041341, MONDO:0001734.
Tuberous sclerosis 1 (TSC1). Identifiers: Orphanet 805, MedGen C1854465, MONDO:0008612, OMIM 191100.

Submissions (3):

Labcorp Genetics (formerly Invitae), Labcorp
Classification: Likely benign for Tuberous sclerosis 1. Last evaluated: 2024-10-28. Review status: criteria provided, single submitter. Criteria: Invitae Variant Classification Sherloc (09022015). Collection method: clinical testing. Allele origin: germline.

Ambry Genetics
Classification: Likely benign for Hereditary cancer-predisposing syndrome. Last evaluated: 2024-10-11. Review status: criteria provided, single submitter. Criteria: Ambry Variant Classification Scheme 2023. Collection method: clinical testing. Allele origin: germline.

All of Us Research Program, National Institutes of Health
Classification: Likely benign for Tuberous sclerosis syndrome. Last evaluated: 2023-06-08. Review status: criteria provided, single submitter. Criteria: ACMG Guidelines, 2015. Collection method: clinical testing. Allele origin: germline. Inheritance: Autosomal dominant inheritance. Observed: 1 variant allele, 1 heterozygote.
Comment: This study involves interpretation of variants in research participants for the purpose of population health screening. Participant phenotype was not available at the time of variant classification. Additional details can be found in publication PMID: 35346344, PMCID: PMC8962531